The following is an entry in ClinVar:

ClinVar aggregate classification (germline): Uncertain significance (1 of 4 stars; one submission).

Submission:

CeGaT Center for Human Genetics Tuebingen
Classification: Uncertain significance. Last evaluated: 2026-09-01. Review status: criteria provided, single submitter. Criteria: CeGaT Center For Human Genetics Tuebingen Variant Classification Criteria Version 2. Collection method: clinical testing. Allele origin: germline. Affected: yes. Observed: 1 variant allele.
Comment: SETD2: PM2

NM_014159.7(SETD2):c.5953G>C (p.Glu1985Gln)

Gene: SETD2 (SET domain containing 2, histone lysine methyltransferase; minus strand). Cytogenetic location: 3p21.31.
Variant type: single nucleotide variant.
Coding change: c.5953G>C on transcript NM_014159.7 (MANE Select); coding-DNA position 5953, G replaced by C.
Protein change: p.Glu1985Gln; replaces glutamic acid 1985 with glutamine.
Molecular consequence: missense variant. On other transcripts: non-coding transcript variant (1).
Genome position (GRCh38, 1-based): chr3:47,083,827, C>G on the plus strand (G>C on the coding strand, the complement: SETD2 is on the minus strand). VCF-style: chr3-47083827-C-G. GRCh37 (hg19) VCF-style: chr3-47125317-C-G.
Other names: c.5821G>C, p.Glu1941Gln (NM_001349370.3); short protein forms E1941Q, E1985Q.
Identifiers: ClinVar variation 5041776 (VCV005041776.1).